The following is an entry in ClinVar:

ClinVar aggregate classification (germline): Uncertain significance (1 of 4 stars; one submission).

Conditions:
Intellectual developmental disorder, autosomal dominant 1. Also called: MBD5 Haploinsufficiency; Intellectual disability, autosomal dominant 1. Identifiers: Orphanet 228402, MedGen C1969562, MONDO:0007974, OMIM 156200.

Submission:

Labcorp Genetics (formerly Invitae), Labcorp
Classification: Uncertain significance for Intellectual developmental disorder, autosomal dominant 1. Last evaluated: 2023-04-06. Review status: criteria provided, single submitter. Criteria: Invitae Variant Classification Sherloc (09022015). Collection method: clinical testing. Allele origin: germline.
Comment: This variant has not been reported in the literature in individuals affected with MBD5-related conditions. This variant is not present in population databases (gnomAD no frequency). This sequence change replaces serine, which is neutral and polar, with leucine, which is neutral and non-polar, at codon 147 of the MBD5 protein (p.Ser147Leu). Advanced modeling of protein sequence and biophysical properties (such as structural, functional, and spatial information, amino acid conservation, physicochemical variation, residue mobility, and thermodynamic stability) performed at Invitae indicates that this missense variant is not expected to disrupt MBD5 protein function. In summary, the available evidence is currently insufficient to determine the role of this variant in disease. Therefore, it has been classified as a Variant of Uncertain Significance.

NM_001378120.1(MBD5):c.440C>T (p.Ser147Leu)

Gene: MBD5 (methyl-CpG binding domain protein 5; plus strand). Cytogenetic location: 2q23.1.
Variant type: single nucleotide variant.
Coding change: c.440C>T on transcript NM_001378120.1 (MANE Select); coding-DNA position 440, C replaced by T.
Protein change: p.Ser147Leu; replaces serine 147 with leucine.
Molecular consequence: missense variant.
Genome position (GRCh38, 1-based): chr2:148,468,383, C>T. VCF-style: chr2-148468383-C-T. GRCh37 (hg19) VCF-style: chr2-149225952-C-T.
Other names: c.440C>T, p.Ser147Leu (NM_018328.5); short protein forms S147L.
Identifiers: ClinVar variation 2852720 (VCV002852720.3), dbSNP rs886041003, ClinGen allele CA348716794.